The following is an entry in ClinVar:

ClinVar aggregate classification (germline): Uncertain significance (1 of 4 stars; one submission).

Conditions:
Charcot-Marie-Tooth disease axonal type 2Z. Also called: CHARCOT-MARIE-TOOTH DISEASE, AXONAL, AUTOSOMAL DOMINANT, TYPE 2Z; CHARCOT-MARIE-TOOTH NEUROPATHY, TYPE 2Z. Identifiers: Orphanet 466768, MedGen C5569025, MONDO:0014736, OMIM 616688.

Allele frequency attached by ClinVar (database versions not stated): gnomAD 0.00001; gnomAD exomes 0.00001 and 0.00002; TOPMed 0.00003; ExAC 0.00004; ESP Exome Variant Server 0.00008.
gnomAD v4.1: 26 of 1,613,978 alleles (0.0016%); highest among the groups gnomAD compares: Non-Finnish European, 0.0019%; no homozygotes.

Submission:

Labcorp Genetics (formerly Invitae), Labcorp
Classification: Uncertain significance for Charcot-Marie-Tooth disease axonal type 2Z. Last evaluated: 2022-05-07. Review status: criteria provided, single submitter. Criteria: Invitae Variant Classification Sherloc (09022015). Collection method: clinical testing. Allele origin: germline.
Comment: In summary, the available evidence is currently insufficient to determine the role of this variant in disease. Therefore, it has been classified as a Variant of Uncertain Significance. Algorithms developed to predict the effect of missense changes on protein structure and function are either unavailable or do not agree on the potential impact of this missense change (SIFT: "Not Available"; PolyPhen-2: "Benign"; Align-GVGD: "Not Available"). ClinVar contains an entry for this variant (Variation ID: 639064). This variant has not been reported in the literature in individuals affected with MORC2-related conditions. This variant is present in population databases (rs142840638, gnomAD 0.004%). This sequence change replaces serine, which is neutral and polar, with tyrosine, which is neutral and polar, at codon 743 of the MORC2 protein (p.Ser743Tyr).

NM_001303256.3(MORC2):c.2228C>A (p.Ser743Tyr)

Gene: MORC2 (MORC family CW-type zinc finger 2; minus strand). Cytogenetic location: 22q12.2.
Variant type: single nucleotide variant.
Coding change: c.2228C>A on transcript NM_001303256.3 (MANE Select); coding-DNA position 2228, C replaced by A.
Protein change: p.Ser743Tyr; replaces serine 743 with tyrosine.
Molecular consequence: missense variant.
Genome position (GRCh38, 1-based): chr22:30,934,157, G>T on the plus strand (C>A on the coding strand, the complement: MORC2 is on the minus strand). VCF-style: chr22-30934157-G-T. GRCh37 (hg19) VCF-style: chr22-31330144-G-T.
Other names: c.2228C>A, p.Ser743Tyr (NM_001303257.2); c.2042C>A, p.Ser681Tyr (NM_014941.3); short protein forms S681Y, S743Y.
Identifiers: ClinVar variation 639064 (VCV000639064.9), dbSNP rs142840638, ClinGen allele CA10186732.
Genomic context (GRCh38, chr22:30,934,157, plus strand): 5'-CTGCCCCGCTTGCACCTCTCCTTCCTCCTCTCAGCTTCCTCCTCAACTTCTTCCTCATCA[G>T]AAACTGCGACACTCCGCTTCCGACTAGGGGTAGCCTAGAGCAAGAGGAGCGTGAGGATGT-3'
Protein context (NP_001290185.1, residues 733-753): TPSRKRSVAV[Ser743Tyr]DEEEVEEEAE